The following is an entry in ClinVar:

NM_002667.5(PLN):c.35T>C (p.Ile12Thr)

Genes: PLN (phospholamban; plus strand), CEP85L (centrosomal protein 85L; minus strand). Cytogenetic location: 6q22.31.
Variant type: single nucleotide variant.
Coding change: c.35T>C on transcript NM_002667.5 (MANE Select); coding-DNA position 35, T replaced by C.
Protein change: p.Ile12Thr; replaces isoleucine 12 with threonine.
Molecular consequence: missense variant. On other transcripts: intron variant (3).
Genome position (GRCh38, 1-based): chr6:118,558,956, T>C. VCF-style: chr6-118558956-T-C. GRCh37 (hg19) VCF-style: chr6-118880119-T-C.
Other names: c.1029+6573A>G (NM_001178035.2); c.1020+6573A>G (NM_001042475.3, NM_206921.3); short protein forms I12T.
Identifiers: ClinVar variation 1733083 (VCV001733083.6), dbSNP rs771044756, ClinGen allele CA3977970.

ClinVar aggregate classification (germline): Uncertain significance. Review status: criteria provided, multiple submitters, no conflicts (2 of 4 stars). 3 submissions from 3 submitters: Uncertain significance (3). Last evaluated 2025-02-18.

Conditions:
Cardiovascular phenotype. Identifiers: MedGen CN230736.
Dilated cardiomyopathy 1P (CMD1P). Identifiers: Orphanet 154, MedGen C1835928, MONDO:0012362, OMIM 609909.

Allele frequency attached by ClinVar (database versions not stated): gnomAD exomes below 0.00001; ExAC 0.00001.
gnomAD v4.1: 4 of 1,613,586 alleles (0.00025%); highest among the groups gnomAD compares: Middle Eastern, 0.017%; no homozygotes.

Submissions (3):

Labcorp Genetics (formerly Invitae), Labcorp
Classification: Uncertain significance for Dilated cardiomyopathy 1P. Last evaluated: 2025-02-18. Review status: criteria provided, single submitter. Criteria: Invitae Variant Classification Sherloc (09022015). Collection method: clinical testing. Allele origin: germline.
Comment: This sequence change replaces isoleucine, which is neutral and non-polar, with threonine, which is neutral and polar, at codon 12 of the PLN protein (p.Ile12Thr). This variant is present in population databases (rs771044756, gnomAD 0.006%). This variant has not been reported in the literature in individuals affected with PLN-related conditions. ClinVar contains an entry for this variant (Variation ID: 1733083). An algorithm developed to predict the effect of missense changes on protein structure and function (PolyPhen-2) suggests that this variant is likely to be tolerated. In summary, the available evidence is currently insufficient to determine the role of this variant in disease. Therefore, it has been classified as a Variant of Uncertain Significance.

GeneDx
Classification: Uncertain significance. Last evaluated: 2022-12-07. Review status: criteria provided, single submitter. Criteria: GeneDx Variant Classification Process June 2021. Collection method: clinical testing. Allele origin: germline. Affected: yes.
Comment: Has not been previously published as pathogenic or benign to our knowledge; Not observed at significant frequency in large population cohorts (gnomAD); In silico analysis supports that this missense variant has a deleterious effect on protein structure/function

Ambry Genetics
Classification: Uncertain significance for Cardiovascular phenotype. Last evaluated: 2018-11-15. Review status: criteria provided, single submitter. Criteria: Ambry Variant Classification Scheme 2023. Collection method: clinical testing. Allele origin: germline.
Comment: The p.I12T variant (also known as c.35T>C), located in coding exon 1 of the PLN gene, results from a T to C substitution at nucleotide position 35. The isoleucine at codon 12 is replaced by threonine, an amino acid with similar properties. This amino acid position is not well conserved in available vertebrate species. In addition, the in silico prediction for this alteration is inconclusive. Since supporting evidence is limited at this time, the clinical significance of this alteration remains unclear.